The following is an entry in ClinVar:

ClinVar aggregate classification (germline): Conflicting classifications of pathogenicity. Review status: criteria provided, conflicting classifications (1 of 4 stars). 7 submissions from 7 submitters: Uncertain significance (1); Benign (1); Likely benign (4). 1 of the submissions does not count toward it. Last evaluated 2024-12-03.

Conditions:
SRPX2-related disorder. Also called: SRPX2-related condition.
Rolandic epilepsy, impaired intellectual development, and speech dyspraxia, X-linked. Also called: Rolandic epilepsy, intellectual disability, and speech dyspraxia, X-linked; Rolandic epilepsy, impaired intellectual development, and speech dyspraxia. Identifiers: MedGen C1845070, MONDO:0010388, OMIM 300643.

Allele frequency attached by ClinVar (database versions not stated): 1000 Genomes Project 0.00026; gnomAD exomes 0.00034; ExAC 0.00039; 1000 Genomes Project 30x 0.00042; gnomAD 0.00131 and 0.00145; TOPMed 0.00146; ESP Exome Variant Server 0.00180.
gnomAD v4.1: 313 of 1,209,692 alleles (0.026%); highest among the groups gnomAD compares: African/African-American, 0.41%; no homozygotes.

Submissions (7):

Genomic Research Center, Shahid Beheshti University of Medical Sciences
Classification: Likely benign for Rolandic epilepsy, impaired intellectual development, and speech dyspraxia, X-linked. Last evaluated: 2024-12-03. Review status: criteria provided, single submitter. Criteria: ACMG Guidelines, 2015. Collection method: clinical testing. Allele origin: inherited. Affected: yes.

Blueprint Genetics
Classification: Likely benign. Last evaluated: 2024-10-08. Review status: criteria provided, single submitter. Criteria: ACMG Guidelines, 2015. Collection method: clinical testing. Allele origin: germline.

Labcorp Genetics (formerly Invitae), Labcorp
Classification: Likely benign for Rolandic epilepsy, impaired intellectual development, and speech dyspraxia, X-linked. Last evaluated: 2024-02-17. Review status: criteria provided, single submitter. Criteria: Invitae Variant Classification Sherloc (09022015). Collection method: clinical testing. Allele origin: germline.

Athena Diagnostics
Classification: Benign. Last evaluated: 2018-08-08. Review status: criteria provided, single submitter. Criteria: Athena Diagnostics Criteria. Collection method: clinical testing. Allele origin: germline.

Eurofins Ntd Llc (ga)
Classification: Likely benign. Last evaluated: 2015-12-16. Review status: criteria provided, single submitter. Criteria: EGL Classification Definitions 2015. Collection method: clinical testing. Allele origin: germline. Observed: 1 variant allele, 1 heterozygote.

GeneDx
Classification: Uncertain significance. Last evaluated: 2014-07-03. Review status: criteria provided, single submitter. Criteria: GeneDx Variant Classification (06012015). Collection method: clinical testing. Allele origin: germline. Affected: yes.
Comment: p.Leu344Ile (CTC>ATC): c.1030 C>A in exon 9 in the SRPX2 gene (NM_014467.2). The L344I variant in the SRPX2 gene has not been published as a mutation, nor has it been reported as a benign polymorphism to our knowledge. The L344I variant has been identified at low frequency in African Americans (0.49%, 19/3835 alleles) by the NHLBI Exome Sequencing Project and was not observed in the homozygous state in any individual within this population. The L344I variant is a conservative amino acid substitution, which is not likely to impact secondary protein structure as these residues share similar properties. This substitution occurs at a position that is conserved across species. In silico analysis predicts this variant is probably damaging to the protein structure/function. We interpret L344I as a variant of unknown significance. The variant is found in CHILD-EPI,EPILEPSY panel(s).

PreventionGenetics, part of Exact Sciences
Classification: Likely benign for SRPX2-related condition. Last evaluated: 2023-04-11. Review status: no assertion criteria provided. Collection method: clinical testing. Allele origin: germline. Not counted in ClinVar's aggregate classification.
Comment: This variant is classified as likely benign based on ACMG/AMP sequence variant interpretation guidelines (Richards et al. 2015 PMID: 25741868, with internal and published modifications).

NM_014467.3(SRPX2):c.1030C>A (p.Leu344Ile)

Gene: SRPX2 (sushi repeat containing protein X-linked 2; plus strand). Cytogenetic location: Xq22.1.
Variant type: single nucleotide variant.
Coding change: c.1030C>A on transcript NM_014467.3 (MANE Select); coding-DNA position 1030, C replaced by A.
Protein change: p.Leu344Ile; replaces leucine 344 with isoleucine.
Molecular consequence: missense variant.
Genome position (GRCh38, 1-based): chrX:100,667,342, C>A. VCF-style: chrX-100667342-C-A. GRCh37 (hg19) VCF-style: chrX-99922339-C-A.
Other names: p.L344I:CTC>ATC; short protein forms L344I.
Identifiers: ClinVar variation 207395 (VCV000207395.23), dbSNP rs149051060, ClinGen allele CA318815.